The following is an entry in ClinVar:

NM_003742.4(ABCB11):c.1568C>G (p.Ala523Gly)

Gene: ABCB11 (ATP binding cassette subfamily B member 11; minus strand). Cytogenetic location: 2q31.1.
Variant type: single nucleotide variant.
Coding change: c.1568C>G on transcript NM_003742.4 (MANE Select); coding-DNA position 1568, C replaced by G.
Protein change: p.Ala523Gly; replaces alanine 523 with glycine.
Molecular consequence: missense variant.
Genome position (GRCh38, 1-based): chr2:168,971,917, G>C on the plus strand (C>G on the coding strand, the complement: ABCB11 is on the minus strand). VCF-style: chr2-168971917-G-C. GRCh37 (hg19) VCF-style: chr2-169828427-G-C.
Other names: short protein forms A523G.
Identifiers: ClinVar variation 3233775 (VCV003233775.6), dbSNP rs769652427, ClinGen allele CA1951540.

ClinVar aggregate classification (germline): Conflicting classifications of pathogenicity. Review status: criteria provided, conflicting classifications (1 of 4 stars). 4 submissions from 4 submitters: Likely pathogenic (2); Uncertain significance (2). Last evaluated 2026-04-14.

Conditions:
Progressive familial intrahepatic cholestasis (PFIC). Also called: Progressive family intrahepatic cholestasis; Progressive intrahepatic cholestasis. Identifiers: Orphanet 172, MedGen C0268312, MONDO:0015762.
Progressive familial intrahepatic cholestasis type 2. Identifiers: Orphanet 79304, MedGen C3489789, MONDO:0011156, OMIM 601847.
Familial intrahepatic cholestasis. Identifiers: Orphanet 284385, MedGen CN296401, MONDO:0017290.
Benign recurrent intrahepatic cholestasis type 2 (BRIC2). Also called: Recurrent familial intrahepatic cholestasis 2. Identifiers: Orphanet 65682, Orphanet 99961, MedGen C2608083, MONDO:0011559, OMIM 605479.

Allele frequency attached by ClinVar (database versions not stated): gnomAD exomes below 0.00001; ExAC 0.00001; gnomAD 0.00001; TOPMed 0.00001.
gnomAD v4.1: 3 of 1,612,966 alleles (0.00019%); highest among the groups gnomAD compares: Non-Finnish European, 0.00025%; no homozygotes.

Submissions (4):

Genomenon, Inc
Classification: Uncertain significance for Familial intrahepatic cholestasis. Last evaluated: 2026-04-14. Review status: criteria provided, single submitter. Criteria: Genomenon Sequence Variant Interpretation Standards - Updated. Collection method: curation. Allele origin: germline. Affected: yes.
Comment: ABCB11 p.Ala523Gly (c.1568C>G) is a missense variant that changes the amino acid at residue 523 from Alanine to Glycine. This variant has been observed in at least one proband with an ABCB11-related disorder (PMID:27493120). The variant was found to segregate with disease in at least one affected family (PMID:27493120). It is absent or not present at a significant frequency in gnomAD. In conclusion, we classify ABCB11 p.Ala523Gly (c.1568C>G) as a variant of uncertain significance.

Broad Center for Mendelian Genomics, Broad Institute of MIT and Harvard
Classification: Uncertain significance for Progressive familial intrahepatic cholestasis type 2. Last evaluated: 2025-01-27. Review status: criteria provided, single submitter. Criteria: ACMG Guidelines, 2015. Collection method: curation. Allele origin: germline. Inheritance: Autosomal recessive inheritance.
Comment: The p.Ala523Gly variant in ABCB11 has been reported in two individuals with BSEP deficiency (PMID: 27493120), segregated with disease in 2 affected relatives from 1 family (PMID: 27493120), and has been identified in 0.0003% (3/1179392) of European (non-Finnish) chromosomes by the Genome Aggregation Database (gnomAD; dbSNP rs769652427). Although this variant has been seen in the general population in a heterozygous state, its frequency is low enough to be consistent with a recessive carrier frequency. Of the 2 affected individuals, one of those was a homozygote, which increases the likelihood that the p.Ala523Gly variant is pathogenic (PMID: 27493120). Computational prediction tools and conservation analyses do not provide strong support for or against an impact to the protein. In summary, while there is some suspicion for a pathogenic role, the clinical significance of this variant is uncertain. ACMG/AMP Criteria applied: PM3_supporting, PM2_supporting (Richards 2015).

Fulgent Genetics
Classification: Likely pathogenic for Progressive familial intrahepatic cholestasis type 2; Benign recurrent intrahepatic cholestasis type 2. Last evaluated: 2024-03-25. Review status: criteria provided, single submitter. Criteria: ACMG Guidelines, 2015. Collection method: clinical testing. Allele origin: germline.

Women's Health and Genetics/Laboratory Corporation of America, LabCorp
Classification: Likely pathogenic for Progressive familial intrahepatic cholestasis. Last evaluated: 2024-03-25. Review status: criteria provided, single submitter. Criteria: LabCorp Variant Classification Summary - May 2015. Collection method: clinical testing. Allele origin: germline.
Comment: Variant summary: ABCB11 c.1568C>G (p.Ala523Gly) results in a non-conservative amino acid change located in the ABC transporter-like, ATP-binding domain (IPR003439) of the encoded protein sequence. Four of five in-silico tools predict a damaging effect of the variant on protein function. The variant allele was found at a frequency of 1.2e-05 in 248602 control chromosomes. c.1568C>G has been reported in the literature in at least two homozygous siblings affected with Familial Intrahepatic Cholestasis (e.g., Vitale_2016). These data indicate that the variant is likely to be associated with disease. To our knowledge, no experimental evidence demonstrating an impact on protein function has been reported. The following publication has been ascertained in the context of this evaluation (PMID: 27493120). No submitters have cited clinical-significance assessments for this variant to ClinVar. Based on the evidence outlined above, the variant was classified as likely pathogenic.

Literature cited by the submitters: PubMed 27493120 (cited by Genomenon, Inc and Women's Health and Genetics/Laboratory Corporation of America, LabCorp).